The following is an entry in ClinVar:

NM_002230.4(JUP):c.11T>A (p.Met4Lys)

Gene: JUP (junction plakoglobin; minus strand). Cytogenetic location: 17q21.2.
Variant type: single nucleotide variant.
Coding change: c.11T>A on transcript NM_002230.4 (MANE Select); coding-DNA position 11, T replaced by A.
Protein change: p.Met4Lys; replaces methionine 4 with lysine.
Molecular consequence: missense variant.
Genome position (GRCh38, 1-based): chr17:41,771,844, A>T on the plus strand (T>A on the coding strand, the complement: JUP is on the minus strand). VCF-style: chr17-41771844-A-T. GRCh37 (hg19) VCF-style: chr17-39928096-A-T.
Other names: c.11T>A, p.Met4Lys (NM_001352773.2, NM_001352774.2, NM_001352775.2 and 3 more transcripts); short protein forms M4K.
Identifiers: ClinVar variation 3763619 (VCV003763619.2).

ClinVar aggregate classification (germline): Uncertain significance (1 of 4 stars; one submission).

Conditions:
Arrhythmogenic right ventricular dysplasia 12. Also called: ARRHYTHMOGENIC RIGHT VENTRICULAR DYSPLASIA, FAMILIAL, 12. Identifiers: MedGen C1969081, MONDO:0012684, OMIM 611528.
Naxos disease (NXD). Also called: PALMOPLANTAR KERATODERMA WITH ARRHYTHMOGENIC RIGHT VENTRICULAR CARDIOMYOPATHY AND WOOLLY HAIR; WOOLLY HAIR, PALMOPLANTAR KERATODERMA, AND CARDIAC ABNORMALITIES; CARDIOMYOPATHY, ARRHYTHMOGENIC RIGHT VENTRICULAR, WITH SKIN, HAIR, AND NAIL ABNORMALITIES; KERATOSIS PALMOPLANTARIS WITH ARRHYTHMOGENIC CARDIOMYOPATHY; MAL DE NAXOS. Identifiers: Orphanet 34217, MedGen C1832600, MONDO:0011017, OMIM 601214.

Submission:

Labcorp Genetics (formerly Invitae), Labcorp
Classification: Uncertain significance for Arrhythmogenic right ventricular dysplasia 12; Naxos disease. Last evaluated: 2024-09-21. Review status: criteria provided, single submitter. Criteria: Invitae Variant Classification Sherloc (09022015). Collection method: clinical testing. Allele origin: germline.
Comment: This sequence change replaces methionine, which is neutral and non-polar, with lysine, which is basic and polar, at codon 4 of the JUP protein (p.Met4Lys). This variant is not present in population databases (gnomAD no frequency). This variant has not been reported in the literature in individuals affected with JUP-related conditions. An algorithm developed to predict the effect of missense changes on protein structure and function (PolyPhen-2) suggests that this variant is likely to be tolerated. In summary, the available evidence is currently insufficient to determine the role of this variant in disease. Therefore, it has been classified as a Variant of Uncertain Significance.